The following is an entry in ClinVar:

ClinVar aggregate classification (germline): Likely pathogenic (1 of 4 stars; one submission).

Submission:

GeneDx
Classification: Likely pathogenic. Last evaluated: 2023-09-18. Review status: criteria provided, single submitter. Criteria: GeneDx Variant Classification Process June 2021. Collection method: clinical testing. Allele origin: germline. Affected: yes.
Comment: Observed in a cohort of patients with sporadic dilated cardiomyopathy, although patient specific clinical information and familial segregation information were not provided (Xiao et al., 2021); Frameshift variant predicted to result in protein truncation or nonsense mediated decay in a gene for which loss of function is a known mechanism of disease; Not observed at significant frequency in large population cohorts (gnomAD); This variant is associated with the following publications: (PMID: 33996946)

NM_004415.4(DSP):c.7048_7049del (p.Leu2350fs)

Gene: DSP (desmoplakin; plus strand). Cytogenetic location: 6p24.3.
Variant type: Deletion.
Coding change: c.7048_7049del on transcript NM_004415.4 (MANE Select); coding-DNA positions 7048 to 7049, 2 bases deleted (TT; older notation c.7048_7049delTT).
Protein change: p.Leu2350fs; shifts the reading frame from leucine 2350.
Molecular consequence: frameshift variant.
Genome position (GRCh38, 1-based): chr6:7,584,310-7,584,311, TT deleted; deleting any 2 consecutive bases within chr6:7,584,309-7,584,311 gives the same sequence; the c. name uses the placement nearest the transcript's 3' end. VCF-style (leftmost placement, unchanged base first): chr6-7584308-CTT-C. GRCh37 (hg19) VCF-style: chr6-7584541-CTT-C.
Other names: c.5251_5252del, p.Leu1751fs (NM_001008844.3); c.5719_5720del, p.Leu1907fs (NM_001319034.2); c.7048_7049delTT, p.Leu2350Valfs (NM_004415.2); short protein forms L1751fs, L1907fs, L2350fs.
Identifiers: ClinVar variation 3253308 (VCV003253308.1), dbSNP rs2533943665.
Genomic context (GRCh38, chr6:7,584,308, plus strand): 5'-TCCTGTCTGCAGAACGAGCTGTCACTGGGTATAATGATCCTGAAACAGGAAACATCATCT[CTT>C]TGTTCCAAGCCATGAATAAGGAACTCATCGAAAAGGGCCACGGTATTCGCTTATTAGAAG-3'